The following is an entry in ClinVar:

NM_198965.2(PTHLH):c.133C>T (p.His45Tyr)

Gene: PTHLH (parathyroid hormone like hormone; minus strand). Cytogenetic location: 12p11.22.
Variant type: single nucleotide variant.
Coding change: c.133C>T on transcript NM_198965.2 (MANE Select); coding-DNA position 133, C replaced by T.
Protein change: p.His45Tyr; replaces histidine 45 with tyrosine.
Molecular consequence: missense variant.
Genome position (GRCh38, 1-based): chr12:27,963,739, G>A on the plus strand (C>T on the coding strand, the complement: PTHLH is on the minus strand). VCF-style: chr12-27963739-G-A. GRCh37 (hg19) VCF-style: chr12-28116672-G-A.
Other names: c.133C>T, p.His45Tyr (NM_002820.3, NM_198964.2, NM_198966.2); short protein forms H45Y.
Identifiers: ClinVar variation 2023756 (VCV002023756.4), dbSNP rs2539963017, ClinGen allele CA384339578.
Genomic context (GRCh38, chr12:27,963,739, plus strand): 5'-CGATCAGATGGTGAAGGAAGAATCGTCGCCGTAAATCTTGGATGGACTTCCCCTTGTCAT[G>A]GAGGAGCTGATGTTCAGACACAGCTCTTTTGCTTTGAAAGAAAATATTAGAGGGGAAGAA-3'
Protein context (NP_945316.1, residues 35-55): KRAVSEHQLL[His45Tyr]DKGKSIQDLR

ClinVar aggregate classification (germline): Uncertain significance (1 of 4 stars; one submission).

Submission:

Labcorp Genetics (formerly Invitae), Labcorp
Classification: Uncertain significance. Last evaluated: 2022-08-12. Review status: criteria provided, single submitter. Criteria: Invitae Variant Classification Sherloc (09022015). Collection method: clinical testing. Allele origin: germline.
Comment: This sequence change replaces histidine, which is basic and polar, with tyrosine, which is neutral and polar, at codon 45 of the PTHLH protein (p.His45Tyr). This variant is not present in population databases (gnomAD no frequency). In summary, the available evidence is currently insufficient to determine the role of this variant in disease. Therefore, it has been classified as a Variant of Uncertain Significance. Algorithms developed to predict the effect of missense changes on protein structure and function are either unavailable or do not agree on the potential impact of this missense change (SIFT: "Deleterious"; PolyPhen-2: "Probably Damaging"; Align-GVGD: "Class C0"). This variant has not been reported in the literature in individuals affected with PTHLH-related conditions.